The following is an entry in ClinVar:

NM_000419.5(ITGA2B):c.2187+6G>T

Gene: ITGA2B (integrin subunit alpha 2b; minus strand). Cytogenetic location: 17q21.31.
Variant type: single nucleotide variant.
Coding change: c.2187+6G>T on transcript NM_000419.5 (MANE Select); 6 bases into the intron after coding-DNA position 2187, G replaced by T.
Molecular consequence: intron variant.
Genome position (GRCh38, 1-based): chr17:44,377,692, C>A on the plus strand (G>T on the coding strand, the complement: ITGA2B is on the minus strand). VCF-style: chr17-44377692-C-A. GRCh37 (hg19) VCF-style: chr17-42455060-C-A.
Identifiers: ClinVar variation 2162666 (VCV002162666.4), dbSNP rs374761257, ClinGen allele CA8602802.

ClinVar aggregate classification (germline): Uncertain significance (1 of 4 stars; one submission).

Conditions:
Glanzmann thrombasthenia. Also called: PLATELET GLYCOPROTEIN IIb-IIIa DEFICIENCY; Glanzmann's thrombasthenia; Thrombasthenia; BLEEDING DISORDER, PLATELET-TYPE, 2; THROMBASTHENIA OF GLANZMANN AND NAEGELI. Identifiers: Orphanet 849, MedGen C0040015, MONDO:0100326.

Allele frequency attached by ClinVar (database versions not stated): ExAC 0.00002; gnomAD 0.00007; ESP Exome Variant Server 0.00008; 1000 Genomes Project 0.00020; 1000 Genomes Project 30x 0.00031.
gnomAD v4.1: 24 of 1,610,944 alleles (0.0015%); highest among the groups gnomAD compares: African/African-American, 0.029%; no homozygotes.

Submission:

Labcorp Genetics (formerly Invitae), Labcorp
Classification: Uncertain significance for Glanzmann thrombasthenia. Last evaluated: 2024-10-16. Review status: criteria provided, single submitter. Criteria: Invitae Variant Classification Sherloc (09022015). Collection method: clinical testing. Allele origin: germline.
Comment: This sequence change falls in intron 21 of the ITGA2B gene. It does not directly change the encoded amino acid sequence of the ITGA2B protein. It affects a nucleotide within the consensus splice site. This variant is present in population databases (rs374761257, gnomAD 0.04%). This variant has not been reported in the literature in individuals affected with ITGA2B-related conditions. ClinVar contains an entry for this variant (Variation ID: 2162666). Variants that disrupt the consensus splice site are a relatively common cause of aberrant splicing (PMID: 17576681, 9536098). Algorithms developed to predict the effect of sequence changes on RNA splicing suggest that this variant is not likely to affect RNA splicing. In summary, the available evidence is currently insufficient to determine the role of this variant in disease. Therefore, it has been classified as a Variant of Uncertain Significance.

Literature cited by the submitters: PubMed 17576681; PubMed 9536098.